The following is an entry in ClinVar:

NM_002768.5(CHMP1A):c.81G>C (p.Lys27Asn)

Gene: CHMP1A (charged multivesicular body protein 1A; minus strand). Cytogenetic location: 16q24.3.
Variant type: single nucleotide variant.
Coding change: c.81G>C on transcript NM_002768.5 (MANE Select); coding-DNA position 81, G replaced by C.
Protein change: p.Lys27Asn; replaces lysine 27 with asparagine.
Molecular consequence: missense variant. On other transcripts: non-coding transcript variant (1).
Genome position (GRCh38, 1-based): chr16:89,651,593, C>G on the plus strand (G>C on the coding strand, the complement: CHMP1A is on the minus strand). VCF-style: chr16-89651593-C-G. GRCh37 (hg19) VCF-style: chr16-89718001-C-G.
Other names: c.61G>C, p.Gly21Arg (NM_001083314.4); c.61G>C (NM_001083314.1); short protein forms G21R, K27N.
Identifiers: ClinVar variation 1312753 (VCV001312753.7), dbSNP rs371305175, ClinGen allele CA8247181.

ClinVar aggregate classification (germline): Uncertain significance. Review status: criteria provided, multiple submitters, no conflicts (2 of 4 stars). 3 submissions from 3 submitters: Uncertain significance (3). Last evaluated 2024-12-03.

Conditions:
Inborn genetic diseases. Identifiers: MedGen C0950123, MeSH D030342.

Allele frequency attached by ClinVar (database versions not stated): ExAC 0.00003; gnomAD exomes 0.00003 and 0.00006; gnomAD 0.00005; ESP Exome Variant Server 0.00008.
gnomAD v4.1: 99 of 1,613,688 alleles (0.0061%); highest among the groups gnomAD compares: Non-Finnish European, 0.0082%; no homozygotes.

Submissions (3):

Ambry Genetics
Classification: Uncertain significance for Inborn genetic diseases. Last evaluated: 2024-12-03. Review status: criteria provided, single submitter. Criteria: Ambry Variant Classification Scheme 2023. Collection method: clinical testing. Allele origin: germline.

Labcorp Genetics (formerly Invitae), Labcorp
Classification: Uncertain significance. Last evaluated: 2022-02-19. Review status: criteria provided, single submitter. Criteria: Invitae Variant Classification Sherloc (09022015). Collection method: clinical testing. Allele origin: germline.
Comment: In summary, the available evidence is currently insufficient to determine the role of this variant in disease. Therefore, it has been classified as a Variant of Uncertain Significance. Algorithms developed to predict the effect of missense changes on protein structure and function (SIFT, PolyPhen-2, Align-GVGD) all suggest that this variant is likely to be tolerated. ClinVar contains an entry for this variant (Variation ID: 1312753). This variant has not been reported in the literature in individuals affected with CHMP1A-related conditions. This variant is present in population databases (rs371305175, gnomAD 0.008%). This sequence change replaces lysine, which is basic and polar, with asparagine, which is neutral and polar, at codon 27 of the CHMP1A protein (p.Lys27Asn).

GeneDx
Classification: Uncertain significance. Last evaluated: 2020-06-26. Review status: criteria provided, single submitter. Criteria: GeneDx Variant Classification Process June 2021. Collection method: clinical testing. Allele origin: germline. Affected: yes.
Comment: Not observed at a significant frequency in large population cohorts (Lek et al., 2016); In silico analysis supports that this missense variant has a deleterious effect on protein structure/function; Has not been previously published as pathogenic or benign to our knowledge